The following is an entry in ClinVar:

NM_006080.3(SEMA3A):c.1543C>T (p.His515Tyr)

Gene: SEMA3A (semaphorin 3A; minus strand). Cytogenetic location: 7q21.11.
Variant type: single nucleotide variant.
Coding change: c.1543C>T on transcript NM_006080.3 (MANE Select); coding-DNA position 1543, C replaced by T.
Protein change: p.His515Tyr; replaces histidine 515 with tyrosine.
Molecular consequence: missense variant.
Genome position (GRCh38, 1-based): chr7:83,981,430, G>A on the plus strand (C>T on the coding strand, the complement: SEMA3A is on the minus strand). VCF-style: chr7-83981430-G-A. GRCh37 (hg19) VCF-style: chr7-83610746-G-A.
Other names: short protein forms H515Y.
Identifiers: ClinVar variation 2657652 (VCV002657652.26), dbSNP rs1024744950, ClinGen allele CA161183091.

ClinVar aggregate classification (germline): Uncertain significance. Review status: criteria provided, multiple submitters, no conflicts (2 of 4 stars). 3 submissions from 3 submitters: Uncertain significance (3). Last evaluated 2025-11-26.

Conditions:
SEMA3A-related disorder. Also called: SEMA3A-related condition.

Allele frequency attached by ClinVar (database versions not stated): gnomAD 0.00001; TOPMed 0.00002.
gnomAD v4.1: 20 of 1,613,556 alleles (0.0012%); highest among the groups gnomAD compares: Non-Finnish European, 0.0015%; no homozygotes.

Submissions (3):

PreventionGenetics, part of Exact Sciences
Classification: Uncertain significance for SEMA3A-related condition. Last evaluated: 2025-11-26. Review status: criteria provided, single submitter. Criteria: ACMG Guidelines, 2015. Collection method: clinical testing. Allele origin: germline.
Comment: The SEMA3A c.1543C>T variant is predicted to result in the amino acid substitution p.His515Tyr. To our knowledge, this variant has not been reported in the literature. This variant is reported in 0.0% of alleles in individuals of African descent in gnomAD. At this time, the clinical significance of this variant is uncertain due to the absence of conclusive functional and genetic evidence.

GeneDx
Classification: Uncertain significance. Last evaluated: 2024-10-21. Review status: criteria provided, single submitter. Criteria: GeneDx Variant Classification Process June 2021. Collection method: clinical testing. Allele origin: germline. Affected: yes.
Comment: Not observed at significant frequency in large population cohorts (gnomAD); In silico analysis supports that this missense variant has a deleterious effect on protein structure/function; Has not been previously published as pathogenic or benign to our knowledge

CeGaT Center for Human Genetics Tuebingen
Classification: Uncertain significance. Last evaluated: 2022-07-01. Review status: criteria provided, single submitter. Criteria: CeGaT Center For Human Genetics Tuebingen Variant Classification Criteria Version 2. Collection method: clinical testing. Allele origin: germline. Affected: yes. Observed: 1 variant allele.
Comment: SEMA3A: PM2